The following is an entry in ClinVar:

NM_001371623.1(TCOF1):c.2672G>A (p.Gly891Glu)

Gene: TCOF1 (treacle ribosome biogenesis factor 1; plus strand). Cytogenetic location: 5q32.
Variant type: single nucleotide variant.
Coding change: c.2672G>A on transcript NM_001371623.1 (MANE Select); coding-DNA position 2672, G replaced by A.
Protein change: p.Gly891Glu; replaces glycine 891 with glutamic acid.
Molecular consequence: missense variant.
Genome position (GRCh38, 1-based): chr5:150,379,545, G>A. VCF-style: chr5-150379545-G-A. GRCh37 (hg19) VCF-style: chr5-149759108-G-A.
Other names: c.2441G>A, p.Gly814Glu (NM_000356.4, NM_001135245.2); c.2672G>A, p.Gly891Glu (NM_001008657.3, NM_001135243.2, NM_001135244.2 and 1 more transcripts); short protein forms G814E, G891E.
Identifiers: ClinVar variation 1220427 (VCV001220427.7), dbSNP rs376431510, ClinGen allele CA3511239.

ClinVar aggregate classification (germline): Conflicting classifications of pathogenicity. Review status: criteria provided, conflicting classifications (1 of 4 stars). 3 submissions from 3 submitters: Uncertain significance (1); Likely benign (2). Last evaluated 2026-04-29.

Conditions:
TCOF1-related disorder. Also called: TCOF1-related condition.
Treacher Collins syndrome 1 (TCS1). Also called: TCOF1-Related Treacher Collins Syndrome. Identifiers: Orphanet 861, MedGen CN315775, MONDO:0007944, OMIM 154500.

Allele frequency attached by ClinVar (database versions not stated): gnomAD exomes 0.00001 and 0.00003; ExAC 0.00004; ESP Exome Variant Server 0.00008; gnomAD 0.00013 and 0.00014; TOPMed 0.00014.
gnomAD v4.1: 30 of 1,614,070 alleles (0.0019%); highest among the groups gnomAD compares: African/African-American, 0.032%; no homozygotes.

Submissions (3):

PreventionGenetics, part of Exact Sciences
Classification: Likely benign for TCOF1-related condition. Last evaluated: 2026-04-29. Review status: criteria provided, single submitter. Criteria: ACMG Guidelines, 2015. Collection method: clinical testing. Allele origin: germline.
Comment: This variant is classified as likely benign based on ACMG/AMP sequence variant interpretation guidelines (Richards et al. 2015 PMID: 25741868, with internal and published modifications).

Labcorp Genetics (formerly Invitae), Labcorp
Classification: Uncertain significance for Treacher Collins syndrome 1. Last evaluated: 2023-12-02. Review status: criteria provided, single submitter. Criteria: Invitae Variant Classification Sherloc (09022015). Collection method: clinical testing. Allele origin: germline.
Comment: This sequence change replaces glycine, which is neutral and non-polar, with glutamic acid, which is acidic and polar, at codon 891 of the TCOF1 protein (p.Gly891Glu). This variant is present in population databases (rs376431510, gnomAD 0.04%). This variant has not been reported in the literature in individuals affected with TCOF1-related conditions. ClinVar contains an entry for this variant (Variation ID: 1220427). Advanced modeling of protein sequence and biophysical properties (such as structural, functional, and spatial information, amino acid conservation, physicochemical variation, residue mobility, and thermodynamic stability) performed at Invitae indicates that this missense variant is not expected to disrupt TCOF1 protein function with a negative predictive value of 80%. In summary, the available evidence is currently insufficient to determine the role of this variant in disease. Therefore, it has been classified as a Variant of Uncertain Significance.

GeneDx
Classification: Likely benign. Last evaluated: 2020-08-10. Review status: criteria provided, single submitter. Criteria: GeneDx Variant Classification Process June 2021. Collection method: clinical testing. Allele origin: germline. Affected: yes.
Comment: This variant is associated with the following publications: (PMID: 28065470)